The following is an entry in ClinVar:

ClinVar aggregate classification (germline): Uncertain significance (1 of 4 stars; one submission).

Submission:

GeneDx
Classification: Uncertain significance. Last evaluated: 2025-02-12. Review status: criteria provided, single submitter. Criteria: GeneDx Variant Classification Process June 2021. Collection method: clinical testing. Allele origin: germline. Affected: yes.
Comment: Not observed at significant frequency in large population cohorts (gnomAD); In silico analysis supports that this missense variant has a deleterious effect on protein structure/function; Has not been previously published as pathogenic or benign to our knowledge

NM_003128.3(SPTBN1):c.4618C>G (p.Arg1540Gly)

Gene: SPTBN1 (spectrin beta, non-erythrocytic 1; plus strand). Cytogenetic location: 2p16.2.
Variant type: single nucleotide variant.
Coding change: c.4618C>G on transcript NM_003128.3 (MANE Select); coding-DNA position 4618, C replaced by G.
Protein change: p.Arg1540Gly; replaces arginine 1540 with glycine.
Molecular consequence: missense variant.
Genome position (GRCh38, 1-based): chr2:54,646,227, C>G. VCF-style: chr2-54646227-C-G. GRCh37 (hg19) VCF-style: chr2-54873364-C-G.
Other names: c.4579C>G, p.Arg1527Gly (NM_178313.3); short protein forms R1527G, R1540G.
Identifiers: ClinVar variation 4075632 (VCV004075632.1).
Genomic context (GRCh38, chr2:54,646,227, plus strand): 5'-TTTGTGTGTATTTTCCGCTCCCTCCAGACCCTCCAGAAAGAAATCCAGGGGCACCAGCCT[C>G]GCATTGACGACATCTTTGAGAGGAGCCAAAACATCGTCACTGACAGCAGCAGCCTCAGCG-3'
Protein context (NP_003119.2, residues 1530-1550): LQKEIQGHQP[Arg1540Gly]IDDIFERSQN